The following is an entry in ClinVar:

NM_001267550.2(TTN):c.83048del (p.Lys27683fs)

Genes: TTN-AS1 (TTN antisense RNA 1; plus strand), TTN (titin; minus strand). Cytogenetic location: 2q31.2.
Variant type: Deletion.
Coding change: c.83048del on transcript NM_001267550.2 (MANE Select); coding-DNA position 83048, one base deleted (A; older notation c.83048delA).
Protein change: p.Lys27683fs; shifts the reading frame from lysine 27683.
Molecular consequence: frameshift variant.
Genome position (GRCh38, 1-based): chr2:178,563,084, T deleted on the plus strand (A on the coding strand, the reverse complement: TTN is on the minus strand); the first of 3 consecutive T bases (chr2:178,563,084-178,563,086); deleting any one gives the same sequence. VCF-style (leftmost placement, unchanged base first): chr2-178563083-CT-C. GRCh37 (hg19) VCF-style: chr2-179427810-CT-C.
Other names: c.78125del, p.Lys26042fs (NM_001256850.1); c.55853del, p.Lys18618fs (NM_003319.4); c.75344del, p.Lys25115fs (NM_133378.4); c.56228del, p.Lys18743fs (NM_133432.3); c.56429del, p.Lys18810fs (NM_133437.4); c.83048delA (NM_001267550.2); short protein forms K18618fs, K18743fs, K26042fs, K27683fs, K25115fs, K18810fs.
Identifiers: ClinVar variation 405135 (VCV000405135.10), dbSNP rs1060500572, ClinGen allele CA16610362.

ClinVar aggregate classification (germline): Likely pathogenic. Review status: criteria provided, single submitter (1 of 4 stars). 2 submissions from 1 submitter: Likely pathogenic (2). Last evaluated 2016-05-22.

Conditions:
Dilated cardiomyopathy 1G (CMD1G). Identifiers: Orphanet 154, MedGen C1858763, MONDO:0011400, OMIM 604145.
Autosomal recessive limb-girdle muscular dystrophy type 2J (LGMDR10). Also called: Limb-girdle muscular dystrophy, type 2J; MUSCULAR DYSTROPHY, LIMB-GIRDLE, AUTOSOMAL RECESSIVE 10. Identifiers: Orphanet 140922, MedGen C1837342, MONDO:0012127, OMIM 608807.

Submissions (2):

Labcorp Genetics (formerly Invitae), Labcorp
Classification: Likely pathogenic for Dilated cardiomyopathy 1G. Last evaluated: 2016-05-22. Review status: criteria provided, single submitter. Criteria: Invitae Variant Classification Sherloc (09022015). Collection method: clinical testing. Allele origin: germline.
Comment: This sequence change deletes 1 nucleotide from exon 326 of the TTN mRNA (c.83048delA), causing a frameshift at codon 27683. This creates a premature translational stop signal (p.Lys27683Argfs*40) and is expected to result in a disrupted protein product. This variant is found in the A-band of the TTN gene. While this particular variant has not been reported in the literature, truncating variants in the A-band of TTN are significantly overrepresented in patients with dilated cardiomyopathy and are considered to be likely pathogenic for the disease (PMID: 25589632). For these reasons, this variant has been classified as Likely Pathogenic.

Labcorp Genetics (formerly Invitae), Labcorp
Classification: Likely pathogenic for Dilated cardiomyopathy 1G; Autosomal recessive limb-girdle muscular dystrophy type 2J. Last evaluated: 2016-05-22. Review status: criteria provided, single submitter. Criteria: Invitae Variant Classification Sherloc (09022015). Collection method: clinical testing. Allele origin: germline.
Comment: For these reasons, this variant has been classified as Likely Pathogenic. This variant is found in the A-band of the TTN gene. While this particular variant has not been reported in the literature, truncating variants in the A-band of TTN are significantly overrepresented in patients with dilated cardiomyopathy and are considered to be likely pathogenic for the disease (PMID: 25589632). This sequence change deletes 1 nucleotide from exon 326 of the TTN mRNA (c.83048delA), causing a frameshift at codon 27683. This creates a premature translational stop signal (p.Lys27683Argfs*40) and is expected to result in a disrupted protein product.

Literature cited by the submitters: PubMed 25589632.